The following is an entry in ClinVar:

NM_001372.4(DNAH9):c.3580C>G (p.Leu1194Val)

Gene: DNAH9 (dynein axonemal heavy chain 9; plus strand). Cytogenetic location: 17p12.
Variant type: single nucleotide variant.
Coding change: c.3580C>G on transcript NM_001372.4 (MANE Select); coding-DNA position 3580, C replaced by G.
Protein change: p.Leu1194Val; replaces leucine 1194 with valine.
Molecular consequence: missense variant.
Genome position (GRCh38, 1-based): chr17:11,680,726, C>G. VCF-style: chr17-11680726-C-G. GRCh37 (hg19) VCF-style: chr17-11584043-C-G.
Other names: short protein forms L1194V.
Identifiers: ClinVar variation 5005685 (VCV005005685.2).

ClinVar aggregate classification (germline): Uncertain significance (1 of 4 stars; one submission).

Conditions:
Ciliary dyskinesia, primary, 40. Also called: CILIARY DYSKINESIA, PRIMARY, 40, WITH OR WITHOUT SITUS INVERSUS. Identifiers: MedGen C4749028, MONDO:0032664, OMIM 618300.

gnomAD v4.1: 2 of 1,613,906 alleles (0.00012%); highest among the groups gnomAD compares: Non-Finnish European, 0.00017%; no homozygotes.

Submission:

Juno Genomics, Hangzhou Juno Genomics, Inc
Classification: Uncertain significance for Ciliary dyskinesia, primary, 40. Review status: criteria provided, single submitter. Criteria: ACMG Guidelines, 2015. Collection method: clinical testing. Allele origin: germline.
Comment: Absent from controls (or at extremely low frequency if recessive) in Genome Aggregation Database.